The following is an entry in ClinVar:

ClinVar aggregate classification (germline): Uncertain significance (1 of 4 stars; one submission).

Submission:

GeneDx
Classification: Uncertain significance. Last evaluated: 2025-01-16. Review status: criteria provided, single submitter. Criteria: GeneDx Variant Classification Process June 2021. Collection method: clinical testing. Allele origin: germline. Affected: yes.
Comment: Not observed at significant frequency in large population cohorts (gnomAD); In silico analysis supports that this missense variant has a deleterious effect on protein structure/function; Has not been previously published as pathogenic or benign to our knowledge

NM_001457.4(FLNB):c.6181T>C (p.Tyr2061His)

Gene: FLNB (filamin B; plus strand). Cytogenetic location: 3p14.3.
Variant type: single nucleotide variant.
Coding change: c.6181T>C on transcript NM_001457.4 (MANE Select); coding-DNA position 6181, T replaced by C.
Protein change: p.Tyr2061His; replaces tyrosine 2061 with histidine.
Molecular consequence: missense variant.
Genome position (GRCh38, 1-based): chr3:58,149,939, T>C. VCF-style: chr3-58149939-T-C. GRCh37 (hg19) VCF-style: chr3-58135666-T-C.
Other names: c.6274T>C, p.Tyr2092His (NM_001164317.2); c.6148T>C, p.Tyr2050His (NM_001164318.2); c.6109T>C, p.Tyr2037His (NM_001164319.2); short protein forms Y2037H, Y2050H, Y2061H, Y2092H.
Identifiers: ClinVar variation 1313489 (VCV001313489.3), dbSNP rs2107275609, ClinGen allele CA353357295.
Genomic context (GRCh38, chr3:58,149,939, plus strand): 5'-GGCCCCAGCAAAGTGGACATCCAGACGGAGGACCTGGAAGATGGCACCTGCAAAGTCTCC[T>C]ACTTCCCTACCGTGCCTGGGGTTTATATCGTCTCCACCAAATTCGCTGACGAGCACGTGC-3'
Protein context (NP_001448.2, residues 2051-2071): DLEDGTCKVS[Tyr2061His]FPTVPGVYIV